The following is an entry in ClinVar:

ClinVar aggregate classification (germline): Uncertain significance (1 of 4 stars; one submission).

Conditions:
Carney complex, type 1 (CNC1). Also called: CARNEY COMPLEX, TYPE I; CARNEY MYXOMA-ENDOCRINE COMPLEX. Identifiers: Orphanet 1359, MedGen C2607929, MONDO:0008057, OMIM 160980.

Submission:

Labcorp Genetics (formerly Invitae), Labcorp
Classification: Uncertain significance for Carney complex, type 1. Last evaluated: 2021-08-18. Review status: criteria provided, single submitter. Criteria: Invitae Variant Classification Sherloc (09022015). Collection method: clinical testing. Allele origin: germline.
Comment: In summary, the available evidence is currently insufficient to determine the role of this variant in disease. Therefore, it has been classified as a Variant of Uncertain Significance. Algorithms developed to predict the effect of missense changes on protein structure and function (SIFT, PolyPhen-2, Align-GVGD) all suggest that this variant is likely to be tolerated. This variant has not been reported in the literature in individuals affected with PRKAR1A-related conditions. This variant is not present in population databases (ExAC no frequency). This sequence change replaces lysine with glutamic acid at codon 123 of the PRKAR1A protein (p.Lys123Glu). The lysine residue is highly conserved and there is a small physicochemical difference between lysine and glutamic acid.

NM_002734.5(PRKAR1A):c.367A>G (p.Lys123Glu)

Gene: PRKAR1A (protein kinase cAMP-dependent type I regulatory subunit alpha; plus strand). Cytogenetic location: 17q24.2.
Variant type: single nucleotide variant.
Coding change: c.367A>G on transcript NM_002734.5 (MANE Select); coding-DNA position 367, A replaced by G.
Protein change: p.Lys123Glu; replaces lysine 123 with glutamic acid.
Molecular consequence: missense variant.
Genome position (GRCh38, 1-based): chr17:68,523,743, A>G. VCF-style: chr17-68523743-A-G. GRCh37 (hg19) VCF-style: chr17-66519884-A-G.
Other names: c.367A>G, p.Lys123Glu (NM_001276289.2, NM_001276290.1, NM_001278433.2 and 4 more transcripts); short protein forms K123E.
Identifiers: ClinVar variation 1513557 (VCV001513557.6), dbSNP rs2143288443, ClinGen allele CA400752582.